The following is an entry in ClinVar:

ClinVar aggregate classification (germline): Uncertain significance (1 of 4 stars; one submission).

Submission:

CeGaT Center for Human Genetics Tuebingen
Classification: Uncertain significance. Last evaluated: 2025-06-01. Review status: criteria provided, single submitter. Criteria: CeGaT Center For Human Genetics Tuebingen Variant Classification Criteria Version 2. Collection method: clinical testing. Allele origin: germline. Affected: yes. Observed: 1 variant allele.
Comment: COPA: PM2

NM_004371.4(COPA):c.1289A>G (p.Asp430Gly)

Gene: COPA (coat protein complex I subunit alpha; minus strand). Cytogenetic location: 1q23.2.
Variant type: single nucleotide variant.
Coding change: c.1289A>G on transcript NM_004371.4 (MANE Select); coding-DNA position 1289, A replaced by G.
Protein change: p.Asp430Gly; replaces aspartic acid 430 with glycine.
Molecular consequence: missense variant.
Genome position (GRCh38, 1-based): chr1:160,307,176, T>C on the plus strand (A>G on the coding strand, the complement: COPA is on the minus strand). VCF-style: chr1-160307176-T-C. GRCh37 (hg19) VCF-style: chr1-160276966-T-C.
Other names: c.1289A>G, p.Asp430Gly (NM_001098398.2); short protein forms D430G.
Identifiers: ClinVar variation 4085340 (VCV004085340.8).
Genomic context (GRCh38, chr1:160,307,176, plus strand): 5'-TGCCACCACACTCCCCAAATTAGTTTCTGCTTTTAGTCTTAACTCACCGAATGCATCCGA[T>C]CTAGGACAGCAAACCGATTTCGAGCGACCCAAACGGCTGTCAGGCCTGAGGATCGTTTCC-3'
Protein context (NP_004362.2, residues 420-440): WVARNRFAVL[Asp430Gly]RMHSLLIKNL